The following is an entry in ClinVar:

ClinVar aggregate classification (germline): Uncertain significance (0 of 4 stars; one submission).

Conditions:
NRP1-related disorder. Also called: NRP1-related condition.

Submission:

PreventionGenetics, part of Exact Sciences
Classification: Uncertain significance for NRP1-related condition. Last evaluated: 2024-05-16. Review status: no assertion criteria provided. Collection method: clinical testing. Allele origin: germline.
Comment: The NRP1 c.1365A>C variant is predicted to result in the amino acid substitution p.Arg455Ser. To our knowledge, this variant has not been reported in the literature or in a large population database, indicating this variant is rare. At this time, the clinical significance of this variant is uncertain due to the absence of conclusive functional and genetic evidence.

NM_003873.7(NRP1):c.1365A>C (p.Arg455Ser)

Gene: NRP1 (neuropilin 1; minus strand). Cytogenetic location: 10p11.22.
Variant type: single nucleotide variant.
Coding change: c.1365A>C on transcript NM_003873.7 (MANE Select); coding-DNA position 1365, A replaced by C.
Protein change: p.Arg455Ser; replaces arginine 455 with serine.
Molecular consequence: missense variant. On other transcripts: non-coding transcript variant (1).
Genome position (GRCh38, 1-based): chr10:33,213,635, T>G on the plus strand (A>C on the coding strand, the complement: NRP1 is on the minus strand). VCF-style: chr10-33213635-T-G. GRCh37 (hg19) VCF-style: chr10-33502563-T-G.
Other names: c.1365A>C, p.Arg455Ser (NM_001024628.3, NM_001024629.3, NM_001244972.2 and 2 more transcripts); short protein forms R455S.
Identifiers: ClinVar variation 3344989 (VCV003344989.1).